The following is an entry in ClinVar:

ClinVar aggregate classification (germline): Uncertain significance (1 of 4 stars; one submission).

Conditions:
Familial intrahepatic cholestasis. Identifiers: Orphanet 284385, MedGen CN296401, MONDO:0017290.
Low phospholipid associated cholelithiasis (GBD1). Also called: Gallbladder disease 1; Gallstone cholecystitis. Identifiers: Orphanet 69663, MedGen C2609268, MONDO:0010939, OMIM 600803.

Submission:

Genomenon, Inc
Classification: Uncertain significance for Familial intrahepatic cholestasis; Low phospholipid associated cholelithiasis. Last evaluated: 2026-04-14. Review status: criteria provided, single submitter. Criteria: Genomenon Sequence Variant Interpretation Standards - Updated. Collection method: curation. Allele origin: germline. Affected: no.
Comment: ABCB4 p.Ser49Ala (c.145T>G) is a missense variant that changes the amino acid at residue 49 from Serine to Alanine. To our knowledge, this variant has not been reported in patients affected with an ABCB4-related disorder in the published literature. Functional studies have been reported (PMID:24723470). It is absent or not present at a significant frequency in gnomAD. In silico models predict that this variant is not damaging. In conclusion, we classify ABCB4 p.Ser49Ala (c.145T>G) as a variant of uncertain significance.

Literature cited by the submitters: PubMed 24723470.

NM_000443.4(ABCB4):c.145T>G (p.Ser49Ala)

Gene: ABCB4 (ATP binding cassette subfamily B member 4; minus strand). Cytogenetic location: 7q21.12.
Variant type: single nucleotide variant.
Coding change: c.145T>G on transcript NM_000443.4 (MANE Select); coding-DNA position 145, T replaced by G.
Protein change: p.Ser49Ala; replaces serine 49 with alanine.
Molecular consequence: missense variant.
Genome position (GRCh38, 1-based): chr7:87,462,899, A>C on the plus strand (T>G on the coding strand, the complement: ABCB4 is on the minus strand). VCF-style: chr7-87462899-A-C. GRCh37 (hg19) VCF-style: chr7-87092215-A-C.
Other names: c.145T>G, p.Ser49Ala (NM_018849.3, NM_018850.3); short protein forms S49A.
Identifiers: ClinVar variation 4846624 (VCV004846624.1).